The following is an entry in ClinVar:

ClinVar aggregate classification (germline): Likely pathogenic. Review status: criteria provided, single submitter (1 of 4 stars). 2 submissions from 2 submitters: Likely pathogenic (1). 1 of the submissions does not count toward it. Last evaluated 2024-04-15.

Conditions:
Polycystic kidney disease 4 (PKD4). Also called: POLYCYSTIC KIDNEY AND HEPATIC DISEASE 1; POLYCYSTIC KIDNEY DISEASE, INFANTILE, TYPE I; POLYCYSTIC KIDNEY DISEASE 4 WITH OR WITHOUT POLYCYSTIC LIVER DISEASE; PKD3; Autosomal Recessive Polycystic Kidney Disease – PKHD1. Identifiers: MedGen C4540575, MONDO:0033004, OMIM 263200.
Autosomal recessive polycystic kidney disease (ARPKD). Also called: AR polycystic kidney disease. Identifiers: Orphanet 731, Orphanet 8378, MedGen C0085548, MeSH D017044, MONDO:0009889.

Submissions (2):

Natera, Inc.
Classification: Likely pathogenic for Autosomal recessive polycystic kidney disease. Last evaluated: 2024-04-15. Review status: criteria provided, single submitter. Criteria: Natera Variant Classification Schema (03/2026). Collection method: clinical testing. Allele origin: germline.
Comment: The c.448+2T>C variant in PKHD1 is a canonical splice donor site variant predicted to affect pre-mRNA splicing, which may result in an abnormal transcript and altered protein product. This variant is expected to result in nonsense mediated decay, truncation, or a dysfunctional protein product. This variant is rare in the general population with a frequency below the threshold expected for the associated phenotype(s). Given the available evidence, this variant is classified as Likely Pathogenic.

Counsyl
Classification: Likely pathogenic for Polycystic kidney disease 4. Last evaluated: 2016-09-23. Review status: no assertion criteria provided. Collection method: clinical testing. Allele origin: unknown. Not counted in ClinVar's aggregate classification.

NM_138694.4(PKHD1):c.448+2T>C

Gene: PKHD1 (PKHD1 ciliary IPT domain containing fibrocystin/polyductin; minus strand). Cytogenetic location: 6p12.2.
Variant type: single nucleotide variant.
Coding change: c.448+2T>C on transcript NM_138694.4 (MANE Select); the canonical splice donor site of the intron after coding-DNA position 448, T replaced by C.
Molecular consequence: splice donor variant.
Genome position (GRCh38, 1-based): chr6:52,076,274, A>G on the plus strand (T>C on the coding strand, the complement: PKHD1 is on the minus strand). VCF-style: chr6-52076274-A-G. GRCh37 (hg19) VCF-style: chr6-51941072-A-G.
Other names: c.448+2T>C (NM_170724.3).
Identifiers: ClinVar variation 371436 (VCV000371436.4), dbSNP rs1057517270, ClinGen allele CA16041073.
Genomic context (GRCh38, chr6:52,076,274, plus strand): 5'-TTTGCAACAAGCTTTGGCAAACAGATTCACAATTATTCCTATTTTAATAGAAGATTTCTT[A>G]CCTGGAACACCACTTGGTGGATAAACTTGGTGAACGATGGGTGTCTGCGCCTTGGAAAAC-3'